The following is an entry in ClinVar:

ClinVar aggregate classification (germline): Benign/Likely benign. Review status: criteria provided, multiple submitters, no conflicts (2 of 4 stars). 4 submissions from 4 submitters: Benign (2); Likely benign (2). Last evaluated 2025-12-09.

Conditions:
46,XY sex reversal 9 (SRXY9). Also called: 46,XY SEX REVERSAL, ZFPM2-RELATED. Identifiers: Orphanet 251510, MedGen C4015129, MONDO:0014480, OMIM 616067.

Allele frequency attached by ClinVar (database versions not stated): gnomAD exomes 0.00110; ExAC 0.00144; ESP Exome Variant Server 0.00277; gnomAD 0.00280 and 0.00290; TOPMed 0.00312; 1000 Genomes Project 30x 0.00515; 1000 Genomes Project 0.00559.
gnomAD v4.1: 1,119 of 1,613,880 alleles (0.069%); highest among the groups gnomAD compares: African/African-American, 0.94%; 3 homozygotes.

Submissions (4):

Labcorp Genetics (formerly Invitae), Labcorp
Classification: Benign for 46,XY sex reversal 9. Last evaluated: 2025-12-09. Review status: criteria provided, single submitter. Criteria: Invitae Variant Classification Sherloc (09022015). Collection method: clinical testing. Allele origin: germline.

Blueprint Genetics
Classification: Likely benign. Last evaluated: 2024-11-13. Review status: criteria provided, single submitter. Criteria: ACMG Guidelines, 2015. Collection method: clinical testing. Allele origin: germline.

CeGaT Center for Human Genetics Tuebingen
Classification: Likely benign. Last evaluated: 2024-08-01. Review status: criteria provided, single submitter. Criteria: CeGaT Center For Human Genetics Tuebingen Variant Classification Criteria Version 2. Collection method: clinical testing. Allele origin: germline. Affected: yes. Observed: 2 variant alleles.
Comment: ZFPM2: BP4, BS1

Genetic Services Laboratory, University of Chicago
Classification: Benign. Last evaluated: 2019-07-17. Review status: criteria provided, single submitter. Criteria: ACMG Guidelines, 2015. Collection method: clinical testing. Allele origin: germline. Affected: no.

NM_012082.4(ZFPM2):c.1276G>A (p.Ala426Thr)

Genes: ZFPM2 (zinc finger protein, FOG family member 2; plus strand), ZFPM2-AS1 (ZFPM2 antisense RNA 1; minus strand). Cytogenetic location: 8q23.1.
Variant type: single nucleotide variant.
Coding change: c.1276G>A on transcript NM_012082.4 (MANE Select); coding-DNA position 1276, G replaced by A.
Protein change: p.Ala426Thr; replaces alanine 426 with threonine.
Molecular consequence: missense variant.
Genome position (GRCh38, 1-based): chr8:105,801,358, G>A. VCF-style: chr8-105801358-G-A. GRCh37 (hg19) VCF-style: chr8-106813586-G-A.
Other names: c.1117G>A, p.Ala373Thr (NM_001362836.2); c.880G>A, p.Ala294Thr (NM_001362837.2); short protein forms A426T, A373T, A294T.
Identifiers: ClinVar variation 544225 (VCV000544225.39), dbSNP rs35843564, ClinGen allele CA4839733.